The following is an entry in ClinVar:

NM_203447.4(DOCK8):c.4411T>C (p.Cys1471Arg)

Gene: DOCK8 (dedicator of cytokinesis 8; plus strand). Cytogenetic location: 9p24.3.
Variant type: single nucleotide variant.
Coding change: c.4411T>C on transcript NM_203447.4 (MANE Select); coding-DNA position 4411, T replaced by C.
Protein change: p.Cys1471Arg; replaces cysteine 1471 with arginine.
Molecular consequence: missense variant.
Genome position (GRCh38, 1-based): chr9:428,434, T>C. VCF-style: chr9-428434-T-C. GRCh37 (hg19) VCF-style: chr9-428434-T-C.
Other names: c.4111T>C, p.Cys1371Arg (NM_001190458.2); c.4207T>C, p.Cys1403Arg (NM_001193536.2); short protein forms C1371R, C1403R, C1471R.
Identifiers: ClinVar variation 1469250 (VCV001469250.8), dbSNP rs748995633, ClinGen allele CA4959071.

ClinVar aggregate classification (germline): Uncertain significance (1 of 4 stars; one submission).

Conditions:
Combined immunodeficiency due to DOCK8 deficiency (HIES2). Also called: HIES autosomal recessive; HYPER-IgE RECURRENT INFECTION SYNDROME 2, AUTOSOMAL RECESSIVE; HYPER-IgE SYNDROME 2, AUTOSOMAL RECESSIVE, WITH RECURRENT INFECTIONS; Hyper-IgE recurrent infection syndrome, autosomal recessive; DOCK8 Deficiency. Identifiers: Orphanet 217390, MedGen C4722305, MONDO:0009478, OMIM 243700.

Allele frequency attached by ClinVar (database versions not stated): gnomAD exomes below 0.00001 and 0.00001; gnomAD 0.00001; TOPMed 0.00001; ExAC 0.00002.
gnomAD v4.1: 6 of 1,614,040 alleles (0.00037%); highest among the groups gnomAD compares: Non-Finnish European, 0.00051%; no homozygotes.

Submission:

Labcorp Genetics (formerly Invitae), Labcorp
Classification: Uncertain significance for Combined immunodeficiency due to DOCK8 deficiency. Last evaluated: 2025-01-23. Review status: criteria provided, single submitter. Criteria: Invitae Variant Classification Sherloc (09022015). Collection method: clinical testing. Allele origin: germline.
Comment: This sequence change replaces cysteine, which is neutral and slightly polar, with arginine, which is basic and polar, at codon 1471 of the DOCK8 protein (p.Cys1471Arg). This variant is present in population databases (rs748995633, gnomAD 0.004%). This variant has not been reported in the literature in individuals affected with DOCK8-related conditions. ClinVar contains an entry for this variant (Variation ID: 1469250). Invitae Evidence Modeling of protein sequence and biophysical properties (such as structural, functional, and spatial information, amino acid conservation, physicochemical variation, residue mobility, and thermodynamic stability) indicates that this missense variant is not expected to disrupt DOCK8 protein function with a negative predictive value of 80%. In summary, the available evidence is currently insufficient to determine the role of this variant in disease. Therefore, it has been classified as a Variant of Uncertain Significance.